The following is an entry in ClinVar:

ClinVar aggregate classification (germline): Uncertain significance (1 of 4 stars; one submission).

Conditions:
Inborn genetic diseases. Identifiers: MedGen C0950123, MeSH D030342.

gnomAD v4.1: 1 of 1,613,464 alleles (0.000062%); highest among the groups gnomAD compares: Admixed American, 0.0017%; no homozygotes.

Submission:

Ambry Genetics
Classification: Uncertain significance for Inborn genetic diseases. Last evaluated: 2025-10-25. Review status: criteria provided, single submitter. Criteria: Ambry Variant Classification Scheme 2023. Collection method: clinical testing. Allele origin: germline.
Comment: The p.E235K variant (also known as c.703G>A), located in coding exon 4 of the ERCC6L2 gene, results from a G to A substitution at nucleotide position 703. The glutamic acid at codon 235 is replaced by lysine, an amino acid with similar properties. This amino acid position is conserved. In addition, the in silico prediction for this alteration is inconclusive. Based on the available evidence, the clinical significance of this variant remains unclear.

NM_020207.7(ERCC6L2):c.703G>A (p.Glu235Lys)

Gene: ERCC6L2 (ERCC excision repair 6 like 2; plus strand). Cytogenetic location: 9q22.32.
Variant type: single nucleotide variant.
Coding change: c.703G>A on transcript NM_020207.7 (MANE Select); coding-DNA position 703, G replaced by A.
Protein change: p.Glu235Lys; replaces glutamic acid 235 with lysine.
Molecular consequence: missense variant. On other transcripts: non-coding transcript variant (1).
Genome position (GRCh38, 1-based): chr9:95,907,186, G>A. VCF-style: chr9-95907186-G-A. GRCh37 (hg19) VCF-style: chr9-98669468-G-A.
Other names: c.703G>A, p.Glu235Lys (NM_001010895.4, NM_001375291.1, NM_001375292.1 and 2 more transcripts); short protein forms E235K.
Identifiers: ClinVar variation 4618741 (VCV004618741.1).